The following is an entry in ClinVar:

ClinVar aggregate classification (germline): Benign. Review status: criteria provided, multiple submitters, no conflicts (2 of 4 stars). 10 submissions from 10 submitters: Benign (7). 3 of the submissions do not count toward it. Last evaluated 2026-02-04.

Conditions:
Myopathy, proximal, and ophthalmoplegia (CMYO6). Also called: MYOPATHY WITH CONGENITAL JOINT CONTRACTURES, OPHTHALMOPLEGIA, AND RIMMED VACUOLES; CONGENITAL MYOPATHY 6 WITH OPHTHALMOPLEGIA; INCLUSION BODY MYOPATHY 3, AUTOSOMAL DOMINANT. Identifiers: Orphanet 363677, Orphanet 79091, MedGen C1854106, MONDO:0011577, OMIM 605637.

Allele frequency attached by ClinVar (database versions not stated): gnomAD exomes 0.42919 and 0.48576; ExAC 0.49937; 1000 Genomes Project 30x 0.50359; 1000 Genomes Project 0.51078; ESP Exome Variant Server 0.37373; gnomAD 0.39768 and 0.41153; TOPMed 0.40748.
gnomAD v4.1: 658,534 of 1,539,660 alleles (43%); highest among the groups gnomAD compares: East Asian, 83%; 148,706 homozygotes.

Submissions (10):

Labcorp Genetics (formerly Invitae), Labcorp
Classification: Benign for Myopathy, proximal, and ophthalmoplegia. Last evaluated: 2026-02-04. Review status: criteria provided, single submitter. Criteria: Invitae Variant Classification Sherloc (09022015). Collection method: clinical testing. Allele origin: germline.

Genome-Nilou Lab
Classification: Benign for Myopathy, proximal, and ophthalmoplegia. Last evaluated: 2021-09-05. Review status: criteria provided, single submitter. Criteria: ACMG Guidelines, 2015. Collection method: clinical testing. Allele origin: germline. Affected: no.

GeneDx
Classification: Benign. Last evaluated: 2018-07-15. Review status: criteria provided, single submitter. Criteria: GeneDx Variant Classification Process June 2021. Collection method: clinical testing. Allele origin: germline. Affected: yes.

Illumina Laboratory Services, Illumina
Classification: Benign for Myopathy, proximal, and ophthalmoplegia. Last evaluated: 2018-01-13. Review status: criteria provided, single submitter. Criteria: ICSL Variant Classification Criteria 13 December 2019. Collection method: clinical testing. Allele origin: germline.
Comment: This variant was observed in the ICSL laboratory as part of a predisposition screen in an ostensibly healthy population. It had not been previously curated by ICSL or reported in the Human Gene Mutation Database (HGMD: prior to June 1st, 2018), and was therefore a candidate for classification through an automated scoring system. Utilizing variant allele frequency, disease prevalence and penetrance estimates, and inheritance mode, an automated score was calculated to assess if this variant is too frequent to cause the disease. Based on the score and internal cut-off values, a variant classified as benign is not then subjected to further curation. The score for this variant resulted in a classification of benign for this disease.

Mayo Clinic Laboratories, Mayo Clinic
Classification: Benign. Last evaluated: 2017-10-02. Review status: criteria provided, single submitter. Criteria: ACMG Guidelines, 2015. Collection method: clinical testing. Allele origin: germline. Observed: 436 variant alleles.

Breakthrough Genomics
Classification: Benign. Review status: criteria provided, single submitter. Criteria: ACMG Guidelines, 2015. Collection method: not provided. Allele origin: germline. Inheritance: Autosomal dominant inheritance. Affected: yes.

PreventionGenetics, part of Exact Sciences
Classification: Benign. Review status: criteria provided, single submitter. Criteria: ACMG Guidelines, 2015. Collection method: clinical testing. Allele origin: germline.

Clinical Genetics, Academic Medical Center
Classification: Benign. Review status: no assertion criteria provided. Collection method: clinical testing. Allele origin: germline. Affected: yes. Study: VKGL Data-share Consensus. Not counted in ClinVar's aggregate classification.

Diagnostic Laboratory, Department of Genetics, University Medical Center Groningen
Classification: Benign for Myopathy, proximal, and ophthalmoplegia. Review status: no assertion criteria provided. Collection method: clinical testing. Allele origin: germline. Affected: yes. Study: VKGL Data-share Consensus. Not counted in ClinVar's aggregate classification.

Joint Genome Diagnostic Labs from Nijmegen and Maastricht, Radboudumc and MUMC+
Classification: Benign. Review status: no assertion criteria provided. Collection method: clinical testing. Allele origin: germline. Affected: yes. Study: VKGL Data-share Consensus. Not counted in ClinVar's aggregate classification.

NM_017534.6(MYH2):c.904+10G>A

Genes: MYH2 (myosin heavy chain 2; minus strand), MYHAS (myosin heavy chain gene cluster antisense RNA; plus strand). Cytogenetic location: 17p13.1.
Variant type: single nucleotide variant.
Coding change: c.904+10G>A on transcript NM_017534.6 (MANE Select); 10 bases into the intron after coding-DNA position 904, G replaced by A.
Molecular consequence: intron variant.
Genome position (GRCh38, 1-based): chr17:10,542,865, C>T on the plus strand (G>A on the coding strand, the complement: MYH2 is on the minus strand). VCF-style: chr17-10542865-C-T. GRCh37 (hg19) VCF-style: chr17-10446182-C-T.
Other names: p.?; c.904+10G>A (NM_001100112.2).
Identifiers: ClinVar variation 260829 (VCV000260829.22), dbSNP rs719277, ClinGen allele CA8391502.